The following is an entry in ClinVar:

NM_000276.4(OCRL):c.2051_2055delinsCTA (p.Leu684fs)

Gene: OCRL (OCRL inositol polyphosphate-5-phosphatase; plus strand). Cytogenetic location: Xq26.1.
Variant type: Indel.
Coding change: c.2051_2055delinsCTA on transcript NM_000276.4 (MANE Select); coding-DNA positions 2051 to 2055, TAGAG replaced by CTA.
Protein change: p.Leu684fs; shifts the reading frame from leucine 684.
Molecular consequence: frameshift variant.
Genome position (GRCh38, 1-based): chrX:129,576,488-129,576,492, TAGAG replaced by CTA. VCF-style: chrX-129576488-TAGAG-CTA. GRCh37 (hg19) VCF-style: chrX-128710465-TAGAG-CTA.
Other names: c.2054_2058delinsCTA, p.Leu685fs (NM_001318784.2); c.2051_2055delinsCTA, p.Leu684fs (NM_001587.4); short protein forms L684fs, L685fs.
Identifiers: ClinVar variation 1878606 (VCV001878606.1), dbSNP rs2521922221, ClinGen allele CA2580101459.

ClinVar aggregate classification (germline): Likely pathogenic (1 of 4 stars; one submission).

Conditions:
Lowe syndrome (OCRL). Also called: Oculocerebrorenal Syndrome; LOWE OCULOCEREBRORENAL SYNDROME; PHOSPHATIDYLINOSITOL 4,5-BISPHOSPHATE 5-PHOSPHATASE DEFICIENCY. Identifiers: Orphanet 534, MedGen C0028860, MONDO:0010645, OMIM 309000.

Submission:

Neuberg Centre For Genomic Medicine, NCGM
Classification: Likely pathogenic for Lowe syndrome. Review status: criteria provided, single submitter. Criteria: ACMG Guidelines, 2015. Collection method: clinical testing. Allele origin: germline. Affected: yes.
Comment: The frameshift insertion p.L684Sfs*42 in OCRL (NM_000276.3) has not been reported previously as a pathogenic variantnor as a benign variant, to our knowledge. The p.L684Sfs*42 variant is novel (not in any individuals) in gnomAD Exomes and is novel (not in any individuals) in 1000Genomes. This variant is predicted to cause loss of normal protein function through protein truncation.The frame shifted sequencecontinues 42 residues until a stop codon is reached.The OCRL gene in intolerant to loss of function (pLI=1). For these reasons, this variant has been classified asLikely Pathogenic.